The following is an entry in ClinVar:

NM_199355.4(ADAMTS18):c.1169C>G (p.Thr390Arg)

Gene: ADAMTS18 (ADAM metallopeptidase with thrombospondin type 1 motif 18; minus strand). Cytogenetic location: 16q23.1.
Variant type: single nucleotide variant.
Coding change: c.1169C>G on transcript NM_199355.4 (MANE Select); coding-DNA position 1169, C replaced by G.
Protein change: p.Thr390Arg; replaces threonine 390 with arginine.
Molecular consequence: missense variant.
Genome position (GRCh38, 1-based): chr16:77,362,152, G>C on the plus strand (C>G on the coding strand, the complement: ADAMTS18 is on the minus strand). VCF-style: chr16-77362152-G-C. GRCh37 (hg19) VCF-style: chr16-77396049-G-C.
Other names: c.653C>G, p.Thr218Arg (NM_001326358.2); short protein forms T390R, T218R.
Identifiers: ClinVar variation 2099792 (VCV002099792.4), dbSNP rs2543741860, ClinGen allele CA396835765.

ClinVar aggregate classification (germline): Uncertain significance (1 of 4 stars; one submission).

Submission:

Labcorp Genetics (formerly Invitae), Labcorp
Classification: Uncertain significance. Last evaluated: 2022-02-19. Review status: criteria provided, single submitter. Criteria: Invitae Variant Classification Sherloc (09022015). Collection method: clinical testing. Allele origin: germline.
Comment: Algorithms developed to predict the effect of missense changes on protein structure and function are either unavailable or do not agree on the potential impact of this missense change (SIFT: "Not Available"; PolyPhen-2: "Probably Damaging"; Align-GVGD: "Not Available"). In summary, the available evidence is currently insufficient to determine the role of this variant in disease. Therefore, it has been classified as a Variant of Uncertain Significance. This variant has not been reported in the literature in individuals affected with ADAMTS18-related conditions. This variant is not present in population databases (gnomAD no frequency). This sequence change replaces threonine, which is neutral and polar, with arginine, which is basic and polar, at codon 390 of the ADAMTS18 protein (p.Thr390Arg).